The following is an entry in ClinVar:

NM_006245.4(PPP2R5D):c.218A>G (p.Lys73Arg)

Gene: PPP2R5D (protein phosphatase 2 regulatory subunit B'delta; plus strand). Cytogenetic location: 6p21.1.
Variant type: single nucleotide variant.
Coding change: c.218A>G on transcript NM_006245.4 (MANE Select); coding-DNA position 218, A replaced by G.
Protein change: p.Lys73Arg; replaces lysine 73 with arginine.
Molecular consequence: missense variant. On other transcripts: 5 prime UTR variant (1), intron variant (1).
Genome position (GRCh38, 1-based): chr6:43,006,575, A>G. VCF-style: chr6-43006575-A-G. GRCh37 (hg19) VCF-style: chr6-42974313-A-G.
Other names: c.-236A>G (NM_001270476.2); c.218A>G, p.Lys73Arg (NM_180976.3); c.28-359A>G (NM_180977.3); short protein forms K73R.
Identifiers: ClinVar variation 2977065 (VCV002977065.3), dbSNP rs776953962, ClinGen allele CA3811775.

ClinVar aggregate classification (germline): Uncertain significance (1 of 4 stars; one submission).

Allele frequency attached by ClinVar (database versions not stated): gnomAD exomes below 0.00001; TOPMed below 0.00001; gnomAD 0.00001; ExAC 0.00002.
gnomAD v4.1: 7 of 1,614,014 alleles (0.00043%); highest among the groups gnomAD compares: Admixed American, 0.0067%; no homozygotes.

Submission:

Labcorp Genetics (formerly Invitae), Labcorp
Classification: Uncertain significance. Last evaluated: 2025-01-22. Review status: criteria provided, single submitter. Criteria: Invitae Variant Classification Sherloc (09022015). Collection method: clinical testing. Allele origin: germline.
Comment: This sequence change replaces lysine, which is basic and polar, with arginine, which is basic and polar, at codon 73 of the PPP2R5D protein (p.Lys73Arg). This variant is present in population databases (rs776953962, gnomAD 0.003%). This variant has not been reported in the literature in individuals affected with PPP2R5D-related conditions. ClinVar contains an entry for this variant (Variation ID: 2977065). An algorithm developed to predict the effect of missense changes on protein structure and function (PolyPhen-2) suggests that this variant is likely to be tolerated. In summary, the available evidence is currently insufficient to determine the role of this variant in disease. Therefore, it has been classified as a Variant of Uncertain Significance.